The following is an entry in ClinVar:

NM_001374736.1(DST):c.20303G>T (p.Cys6768Phe)

Gene: DST (dystonin; minus strand). Cytogenetic location: 6p12.1.
Variant type: single nucleotide variant.
Coding change: c.20303G>T on transcript NM_001374736.1 (MANE Select); coding-DNA position 20303, G replaced by T.
Protein change: p.Cys6768Phe; replaces cysteine 6768 with phenylalanine.
Molecular consequence: missense variant.
Genome position (GRCh38, 1-based): chr6:56,494,101, C>A on the plus strand (G>T on the coding strand, the complement: DST is on the minus strand). VCF-style: chr6-56494101-C-A. GRCh37 (hg19) VCF-style: chr6-56358899-C-A.
Other names: c.13946G>T, p.Cys4649Phe (NM_001144769.5); c.13532G>T, p.Cys4511Phe (NM_001144770.2); c.20303G>T, p.Cys6768Phe (NM_001374722.1); c.19343G>T, p.Cys6448Phe (NM_001374729.1); c.13085G>T, p.Cys4362Phe (NM_001374730.1); c.20330G>T, p.Cys6777Phe (NM_001374734.1); c.12434G>T, p.Cys4145Phe (NM_015548.5); c.13412G>T, p.Cys4471Phe (NM_183380.4); short protein forms C4362F, C4145F, C4649F, C6448F, C6777F, C4471F, C4511F, C6768F.
Identifiers: ClinVar variation 969244 (VCV000969244.8), dbSNP rs2095837433, ClinGen allele CA364517590.

ClinVar aggregate classification (germline): Uncertain significance (1 of 4 stars; one submission).

Conditions:
Epidermolysis bullosa simplex 3, localized or generalized intermediate, with BP230 deficiency (EBS3). Also called: Epidermolysis bullosa simplex, autosomal recessive 2; Epidermolysis bullosa simplex due to BP230 deficiency. Identifiers: Orphanet 412181, MedGen C3809470, MONDO:0014180, OMIM 615425.
Hereditary sensory and autonomic neuropathy type 6. Also called: Neuropathy, hereditary sensory and autonomic, type VI; HSAN VI. Identifiers: Orphanet 314381, MedGen C3539003, MONDO:0013839, OMIM 614653.

Submission:

Labcorp Genetics (formerly Invitae), Labcorp
Classification: Uncertain significance for Epidermolysis bullosa simplex 3, localized or generalized intermediate, with BP230 deficiency; Hereditary sensory and autonomic neuropathy type 6. Last evaluated: 2021-05-03. Review status: criteria provided, single submitter. Criteria: Invitae Variant Classification Sherloc (09022015). Collection method: clinical testing. Allele origin: germline.
Comment: In summary, the available evidence is currently insufficient to determine the role of this variant in disease. Therefore, it has been classified as a Variant of Uncertain Significance. Experimental studies and prediction algorithms are not available or were not evaluated, and the functional significance of this variant is currently unknown. This variant has not been reported in the literature in individuals with DST-related conditions. ClinVar contains an entry for this variant (Variation ID: 969244). This variant is not present in population databases (ExAC no frequency). This sequence change replaces cysteine with phenylalanine at codon 4145 of the DST protein (p.Cys4145Phe). The DST gene has multiple clinically relevant transcripts. This variant occurs in alternate transcript NM_015548.4, and corresponds to NM_001723.5:c.*121416G>T in the primary transcript.